The following is an entry in ClinVar:

ClinVar aggregate classification (germline): Uncertain significance (1 of 4 stars; one submission).

Submission:

Labcorp Genetics (formerly Invitae), Labcorp
Classification: Uncertain significance. Last evaluated: 2025-02-10. Review status: criteria provided, single submitter. Criteria: Invitae Variant Classification Sherloc (09022015). Collection method: clinical testing. Allele origin: germline.
Comment: This variant, c.43_45dup, results in the insertion of 1 amino acid(s) of the KL protein (p.Pro15dup), but otherwise preserves the integrity of the reading frame. The frequency data for this variant in the population databases is considered unreliable, as metrics indicate poor data quality at this position in the gnomAD database. This variant has not been reported in the literature in individuals affected with KL-related conditions. In summary, the available evidence is currently insufficient to determine the role of this variant in disease. Therefore, it has been classified as a Variant of Uncertain Significance.

NM_004795.4(KL):c.34CCG[5] (p.Pro15_Ser16insPro)

Gene: KL (klotho; plus strand). Cytogenetic location: 13q13.1.
Variant type: Microsatellite.
Coding change: c.34CCG[5] on transcript NM_004795.4 (MANE Select); five copies in a row of the 3-base unit CCG starting at c.34; the reference has four copies in a row; one copy, 3 bases duplicated.
Protein change: p.Pro15_Ser16insPro.
Molecular consequence: inframe insertion.
Genome position (GRCh38, 1-based): chr13:33,016,483-33,016,485, CCG duplicated; duplicating any 3 consecutive bases within chr13:33,016,473-33,016,485 gives the same sequence; the position shown is the placement nearest the transcript's 3' end. VCF-style (leftmost placement, unchanged base first): chr13-33016472-G-GGCC. GRCh37 (hg19) VCF-style: chr13-33590610-G-GGCC.
Identifiers: ClinVar variation 1981120 (VCV001981120.4), dbSNP rs1050352800, ClinGen allele CA247507251.